The following is an entry in ClinVar:

NM_000384.3(APOB):c.6763A>G (p.Lys2255Glu)

Gene: APOB (apolipoprotein B; minus strand). Cytogenetic location: 2p24.1.
Variant type: single nucleotide variant.
Coding change: c.6763A>G on transcript NM_000384.3 (MANE Select); coding-DNA position 6763, A replaced by G.
Protein change: p.Lys2255Glu; replaces lysine 2255 with glutamic acid.
Molecular consequence: missense variant.
Genome position (GRCh38, 1-based): chr2:21,010,105, T>C on the plus strand (A>G on the coding strand, the complement: APOB is on the minus strand). VCF-style: chr2-21010105-T-C. GRCh37 (hg19) VCF-style: chr2-21232977-T-C.
Other names: short protein forms K2255E.
Identifiers: ClinVar variation 1755314 (VCV001755314.2), dbSNP rs1275914021, ClinGen allele CA346000784.
Genomic context (GRCh38, chr2:21,010,105, plus strand): 5'-TCTGTATGTGTCTCTTAAGCTGCTGCAGTTTTTCTTGTATCTGGATTCTGATTTGGTACT[T>C]AGTATCCACATTTTGAATCCAGGATGCAGTACTACTTCCACTTTTGTTAAAATCAATATT-3'
Protein context (NP_000375.3, residues 2245-2265): TASWIQNVDT[Lys2255Glu]YQIRIQIQEK

ClinVar aggregate classification (germline): Uncertain significance (1 of 4 stars; one submission).

Conditions:
Cardiovascular phenotype. Identifiers: MedGen CN230736.

Allele frequency attached by ClinVar (database versions not stated): gnomAD exomes below 0.00001.
gnomAD v4.1: 2 of 1,612,866 alleles (0.00012%); highest among the groups gnomAD compares: East Asian, 0.0045%; no homozygotes.

Submission:

Ambry Genetics
Classification: Uncertain significance for Cardiovascular phenotype. Last evaluated: 2022-10-09. Review status: criteria provided, single submitter. Criteria: Ambry Variant Classification Scheme 2023. Collection method: clinical testing. Allele origin: germline.
Comment: The p.K2255E variant (also known as c.6763A>G), located in coding exon 26 of the APOB gene, results from an A to G substitution at nucleotide position 6763. The lysine at codon 2255 is replaced by glutamic acid, an amino acid with similar properties. This amino acid position is conserved. In addition, this alteration is predicted to be tolerated by in silico analysis. Since supporting evidence is limited at this time, the clinical significance of this alteration remains unclear.